The following is an entry in ClinVar:

ClinVar aggregate classification (germline): Uncertain significance (1 of 4 stars; one submission).

Allele frequency attached by ClinVar (database versions not stated): ExAC 0.00001; gnomAD 0.00001; TOPMed 0.00001; ESP Exome Variant Server 0.00015.

Submission:

Labcorp Genetics (formerly Invitae), Labcorp
Classification: Uncertain significance. Last evaluated: 2023-02-08. Review status: criteria provided, single submitter. Criteria: Invitae Variant Classification Sherloc (09022015). Collection method: clinical testing. Allele origin: germline.
Comment: Algorithms developed to predict the effect of missense changes on protein structure and function are either unavailable or do not agree on the potential impact of this missense change (SIFT: "Deleterious"; PolyPhen-2: "Probably Damaging"; Align-GVGD: "Class C0"). In summary, the available evidence is currently insufficient to determine the role of this variant in disease. Therefore, it has been classified as a Variant of Uncertain Significance. Algorithms developed to predict the effect of sequence changes on RNA splicing suggest that this variant may create or strengthen a splice site. This variant has not been reported in the literature in individuals affected with TECTA-related conditions. This variant is not present in population databases (gnomAD no frequency). This sequence change replaces cysteine, which is neutral and slightly polar, with tyrosine, which is neutral and polar, at codon 591 of the TECTA protein (p.Cys591Tyr).

NM_005422.4(TECTA):c.1772G>A (p.Cys591Tyr)

Genes: TBCEL-TECTA (TBCEL-TECTA readthrough; plus strand), TECTA (tectorin alpha; plus strand). Cytogenetic location: 11q23.3.
Variant type: single nucleotide variant.
Coding change: c.1772G>A on transcript NM_005422.4 (MANE Select); coding-DNA position 1772, G replaced by A.
Protein change: p.Cys591Tyr; replaces cysteine 591 with tyrosine.
Molecular consequence: missense variant.
Genome position (GRCh38, 1-based): chr11:121,125,870, G>A. VCF-style: chr11-121125870-G-A. GRCh37 (hg19) VCF-style: chr11-120996579-G-A.
Other names: c.2729G>A, p.Cys910Tyr (NM_001378761.1); short protein forms C591Y, C910Y.
Identifiers: ClinVar variation 2871948 (VCV002871948.3), dbSNP rs141434625, ClinGen allele CA6326823.